The following is an entry in ClinVar:

NM_025179.4(PLXNA2):c.1170C>T (p.Asp390=)

Gene: PLXNA2 (plexin A2; minus strand). Cytogenetic location: 1q32.2.
Variant type: single nucleotide variant.
Coding change: c.1170C>T on transcript NM_025179.4 (MANE Select); coding-DNA position 1170, C replaced by T.
Protein change: p.Asp390=; no amino-acid change (aspartic acid 390 retained).
Molecular consequence: synonymous variant.
Genome position (GRCh38, 1-based): chr1:208,216,753, G>A on the plus strand (C>T on the coding strand, the complement: PLXNA2 is on the minus strand). VCF-style: chr1-208216753-G-A. GRCh37 (hg19) VCF-style: chr1-208390098-G-A.
Identifiers: ClinVar variation 3355461 (VCV003355461.1).

ClinVar aggregate classification (germline): Likely benign (0 of 4 stars; one submission).

Conditions:
PLXNA2-related disorder. Also called: PLXNA2-related condition.

gnomAD v4.1: 10 of 1,613,204 alleles (0.00062%); highest among the groups gnomAD compares: South Asian, 0.0033%; no homozygotes.

Submission:

PreventionGenetics, part of Exact Sciences
Classification: Likely benign for PLXNA2-related condition. Last evaluated: 2021-09-03. Review status: no assertion criteria provided. Collection method: clinical testing. Allele origin: germline.
Comment: This variant is classified as likely benign based on ACMG/AMP sequence variant interpretation guidelines (Richards et al. 2015 PMID: 25741868, with internal and published modifications).